The following is an entry in ClinVar:

NM_000276.4(OCRL):c.2011A>C (p.Ile671Leu)

Gene: OCRL (OCRL inositol polyphosphate-5-phosphatase; plus strand). Cytogenetic location: Xq26.1.
Variant type: single nucleotide variant.
Coding change: c.2011A>C on transcript NM_000276.4 (MANE Select); coding-DNA position 2011, A replaced by C.
Protein change: p.Ile671Leu; replaces isoleucine 671 with leucine.
Molecular consequence: missense variant.
Genome position (GRCh38, 1-based): chrX:129,576,448, A>C. VCF-style: chrX-129576448-A-C. GRCh37 (hg19) VCF-style: chrX-128710425-A-C.
Other names: c.2014A>C, p.Ile672Leu (NM_001318784.2); c.2011A>C, p.Ile671Leu (NM_001587.4); short protein forms I671L, I672L.
Identifiers: ClinVar variation 2572941 (VCV002572941.3), dbSNP rs1034271503, ClinGen allele CA414621514.

ClinVar aggregate classification (germline): Uncertain significance (1 of 4 stars; one submission).

Submission:

GeneDx
Classification: Uncertain significance. Last evaluated: 2025-09-17. Review status: criteria provided, single submitter. Criteria: GeneDx Variant Classification Process June 2021. Collection method: clinical testing. Allele origin: germline. Affected: yes.
Comment: Not observed at significant frequency in large population cohorts (gnomAD); In silico analysis supports that this missense variant does not alter protein structure/function; Has not been previously published as pathogenic or benign to our knowledge